The following is an entry in ClinVar:

ClinVar aggregate classification (germline): Uncertain significance. Review status: criteria provided, multiple submitters, no conflicts (2 of 4 stars). 2 submissions from 2 submitters: Uncertain significance (2). Last evaluated 2025-08-21.

Conditions:
Colorectal cancer. Also called: Colorectal cancer, somatic; Malignant Colorectal Neoplasm. Identifiers: MedGen C0346629, MONDO:0005575, OMIM 114500.

Allele frequency attached by ClinVar (database versions not stated): 1000 Genomes Project 0.00020; ExAC 0.00027; gnomAD exomes 0.00027; 1000 Genomes Project 30x 0.00031; ESP Exome Variant Server 0.00031; gnomAD 0.00035; TOPMed 0.00038.

Submissions (2):

Labcorp Genetics (formerly Invitae), Labcorp
Classification: Uncertain significance. Last evaluated: 2025-08-21. Review status: criteria provided, single submitter. Criteria: Invitae Variant Classification Sherloc (09022015). Collection method: clinical testing. Allele origin: germline.
Comment: This sequence change replaces proline, which is neutral and non-polar, with serine, which is neutral and polar, at codon 282 of the DLC1 protein (p.Pro282Ser). This variant is present in population databases (rs150334629, gnomAD 0.06%), and has an allele count higher than expected for a pathogenic variant. This variant has not been reported in the literature in individuals affected with DLC1-related conditions. ClinVar contains an entry for this variant (Variation ID: 2051121). An algorithm developed to predict the effect of missense changes on protein structure and function outputs the following: PolyPhen-2: "Benign". The serine amino acid residue is found in multiple mammalian species, which suggests that this missense change does not adversely affect protein function. In summary, the available evidence is currently insufficient to determine the role of this variant in disease. Therefore, it has been classified as a Variant of Uncertain Significance.

Fulgent Genetics
Classification: Uncertain significance for Colorectal cancer. Last evaluated: 2024-03-08. Review status: criteria provided, single submitter. Criteria: ACMG Guidelines, 2015. Collection method: clinical testing. Allele origin: germline.

NM_182643.3(DLC1):c.844C>T (p.Pro282Ser)

Gene: DLC1 (DLC1 Rho GTPase activating protein; minus strand). Cytogenetic location: 8p22.
Variant type: single nucleotide variant.
Coding change: c.844C>T on transcript NM_182643.3 (MANE Select); coding-DNA position 844, C replaced by T.
Protein change: p.Pro282Ser; replaces proline 282 with serine.
Molecular consequence: missense variant. On other transcripts: 5 prime UTR variant (1).
Genome position (GRCh38, 1-based): chr8:13,499,228, G>A on the plus strand (C>T on the coding strand, the complement: DLC1 is on the minus strand). VCF-style: chr8-13499228-G-A. GRCh37 (hg19) VCF-style: chr8-13356737-G-A.
Other names: c.844C>T, p.Pro282Ser (NM_001348081.2, NM_001413124.1, NM_001413125.1 and 1 more transcripts); c.-608C>T (NM_001348082.2); short protein forms P282S.
Identifiers: ClinVar variation 2051121 (VCV002051121.5), dbSNP rs150334629, ClinGen allele CA4639384.